The following is an entry in ClinVar:

NM_001042492.3(NF1):c.2374C>T (p.Leu792Phe)

Gene: NF1 (neurofibromin 1; plus strand). Cytogenetic location: 17q11.2.
Variant type: single nucleotide variant.
Coding change: c.2374C>T on transcript NM_001042492.3 (MANE Select); coding-DNA position 2374, C replaced by T.
Protein change: p.Leu792Phe; replaces leucine 792 with phenylalanine.
Molecular consequence: missense variant.
Genome position (GRCh38, 1-based): chr17:31,227,571, C>T. VCF-style: chr17-31227571-C-T. GRCh37 (hg19) VCF-style: chr17-29554589-C-T.
Other names: c.2374C>T, p.Leu792Phe (NM_000267.4); short protein forms L792F.
Identifiers: ClinVar variation 480075 (VCV000480075.17), dbSNP rs1555614005, ClinGen allele CA398983195.

ClinVar aggregate classification (germline): Uncertain significance. Review status: criteria provided, multiple submitters, no conflicts (2 of 4 stars). 4 submissions from 4 submitters: Uncertain significance (4). Last evaluated 2026-01-12.

Conditions:
Cardiovascular phenotype. Identifiers: MedGen CN230736.
Hereditary cancer-predisposing syndrome. Also called: Hereditary neoplastic syndrome; Neoplastic Syndromes, Hereditary; Tumor predisposition; Hereditary Cancer Syndrome. Identifiers: Orphanet 140162, MedGen C0027672, MeSH D009386, MONDO:0015356.
Neurofibromatosis, type 1 (NF1). Also called: VON RECKLINGHAUSEN DISEASE; Peripheral type neurofibromatosis; NEUROFIBROMATOSIS, TYPE I, SOMATIC; Neurofibromatosis, type I. Identifiers: Orphanet 636, MedGen C0027831, MONDO:0018975, OMIM 162200. Disease mechanism: loss of function.

Submissions (4):

Labcorp Genetics (formerly Invitae), Labcorp
Classification: Uncertain significance for Neurofibromatosis, type 1. Last evaluated: 2026-01-12. Review status: criteria provided, single submitter. Criteria: Invitae Variant Classification Sherloc (09022015). Collection method: clinical testing. Allele origin: germline.
Comment: This sequence change replaces leucine, which is neutral and non-polar, with phenylalanine, which is neutral and non-polar, at codon 792 of the NF1 protein (p.Leu792Phe). This variant is not present in population databases (gnomAD no frequency). This variant has not been reported in the literature in individuals affected with NF1-related conditions. ClinVar contains an entry for this variant (Variation ID: 480075). Invitae Evidence Modeling of protein sequence and biophysical properties (such as structural, functional, and spatial information, amino acid conservation, physicochemical variation, residue mobility, and thermodynamic stability) has been performed for this missense variant. However, the output from this modeling did not meet the statistical confidence thresholds required to predict the impact of this variant on NF1 protein function. This variant disrupts the p.Leu792 amino acid residue in NF1. Other variant(s) that disrupt this residue have been determined to be pathogenic (internal data). This suggests that this residue is clinically significant, and that variants that disrupt this residue are likely to be disease-causing. In summary, the available evidence is currently insufficient to determine the role of this variant in disease. Therefore, it has been classified as a Variant of Uncertain Significance.

Ambry Genetics
Classification: Uncertain significance for Cardiovascular phenotype; Hereditary cancer-predisposing syndrome. Last evaluated: 2025-02-24. Review status: criteria provided, single submitter. Criteria: Ambry Variant Classification Scheme 2023. Collection method: clinical testing. Allele origin: germline.
Comment: The p.L792F variant (also known as c.2374C>T), located in coding exon 20 of the NF1 gene, results from a C to T substitution at nucleotide position 2374. The leucine at codon 792 is replaced by phenylalanine, an amino acid with highly similar properties. This amino acid position is highly conserved in available vertebrate species. In addition, this alteration is predicted to be tolerated by in silico analysis. Since supporting evidence is limited at this time, the clinical significance of this alteration remains unclear.

Genome-Nilou Lab
Classification: Uncertain significance for Neurofibromatosis, type 1. Last evaluated: 2022-03-15. Review status: criteria provided, single submitter. Criteria: ACMG Guidelines, 2015. Collection method: clinical testing. Allele origin: germline. Affected: no.

GeneDx
Classification: Uncertain significance. Last evaluated: 2021-01-11. Review status: criteria provided, single submitter. Criteria: GeneDx Variant Classification Process June 2021. Collection method: clinical testing. Allele origin: germline. Affected: yes.
Comment: Not observed in large population cohorts (Lek et al., 2016); In silico analysis supports that this missense variant does not alter protein structure/function; Has not been previously published as a germline pathogenic or benign variant to our knowledge; This variant is associated with the following publications: (PMID: 30312528, 25486365)